The following is an entry in ClinVar:

ClinVar aggregate classification (germline): Uncertain significance. Review status: criteria provided, multiple submitters, no conflicts (2 of 4 stars). 2 submissions from 2 submitters: Uncertain significance (2). Last evaluated 2023-02-17.

Conditions:
Anauxetic dysplasia. Identifiers: Orphanet 93347, MedGen C1846796, MONDO:0011773.

Submissions (2):

Women's Health and Genetics/Laboratory Corporation of America, LabCorp
Classification: Uncertain significance. Last evaluated: 2023-02-17. Review status: criteria provided, single submitter. Criteria: LabCorp Variant Classification Summary - May 2015. Collection method: clinical testing. Allele origin: germline.
Comment: Variant summary: RMRP n.106C>G alters a nucleotide in the non-coding RNA. The variant was absent in 130450 control chromosomes. The available data on variant occurrences in the general population are insufficient to allow any conclusion about variant significance. To our knowledge, no occurrence of n.106C>G in individuals affected with Cartilage-Hair Hypoplasia and no experimental evidence demonstrating its impact on protein function have been reported. One clinical diagnostic laboratory has submitted clinical-significance assessments for this variant to ClinVar after 2014 without evidence for independent evaluation. One laboratory classified the variant as uncertain significance. Based on the evidence outlined above, the variant was classified as uncertain significance.

Labcorp Genetics (formerly Invitae), Labcorp
Classification: Uncertain significance for Anauxetic dysplasia. Last evaluated: 2022-07-06. Review status: criteria provided, single submitter. Criteria: Invitae Variant Classification Sherloc (09022015). Collection method: clinical testing. Allele origin: germline.
Comment: This variant occurs in the RMRP gene, which encodes an RNA molecule that does not result in a protein product. This variant is not present in population databases (gnomAD no frequency). In summary, the available evidence is currently insufficient to determine the role of this variant in disease. Therefore, it has been classified as a Variant of Uncertain Significance. Experimental studies and prediction algorithms are not available or were not evaluated, and the functional significance of this variant is currently unknown. This variant has not been reported in the literature in individuals affected with RMRP-related conditions.

NR_003051.4(RMRP):n.107C>G

Gene: RMRP (RNA component of mitochondrial RNA processing endoribonuclease; minus strand). Cytogenetic location: 9p13.3.
Variant type: single nucleotide variant.
Genome position: GRCh38 VCF-style: chr9-35657913-G-C. GRCh37 (hg19) VCF-style: chr9-35657910-G-C.
Identifiers: ClinVar variation 1985627 (VCV001985627.3), dbSNP rs542778133, ClinGen allele CA192745631.